The following is an entry in ClinVar:

ClinVar aggregate classification (germline): Pathogenic (1 of 4 stars; one submission).

Allele frequency attached by ClinVar (database versions not stated): gnomAD exomes below 0.00001; gnomAD 0.00001; TOPMed 0.00002.

Submission:

Labcorp Genetics (formerly Invitae), Labcorp
Classification: Pathogenic. Last evaluated: 2026-01-05. Review status: criteria provided, single submitter. Criteria: Invitae Variant Classification Sherloc (09022015). Collection method: clinical testing. Allele origin: germline.
Comment: This sequence change falls in intron 2 of the PTH gene. It does not directly change the encoded amino acid sequence of the PTH protein. It affects a nucleotide within the consensus splice site. This variant is present in population databases (no rsID available, gnomAD 0.0009%). This variant has been observed in individual(s) with autosomal recessive hypoparathyroidism (internal data). In at least one individual the data is consistent with being in trans (on the opposite chromosome) from a pathogenic variant. ClinVar contains an entry for this variant (Variation ID: 1917357). Variants that disrupt the consensus splice site are a relatively common cause of aberrant splicing (PMID: 17576681, 9536098). Algorithms developed to predict the effect of sequence changes on RNA splicing suggest that this variant may disrupt the consensus splice site. For these reasons, this variant has been classified as Pathogenic.

Literature cited by the submitters: PubMed 17576681; PubMed 9536098.

NM_000315.4(PTH):c.86+4A>T

Gene: PTH (parathyroid hormone; minus strand). Cytogenetic location: 11p15.3.
Variant type: single nucleotide variant.
Coding change: c.86+4A>T on transcript NM_000315.4 (MANE Select); 4 bases into the intron after coding-DNA position 86, A replaced by T.
Molecular consequence: intron variant.
Genome position (GRCh38, 1-based): chr11:13,492,766, T>A on the plus strand (A>T on the coding strand, the complement: PTH is on the minus strand). VCF-style: chr11-13492766-T-A. GRCh37 (hg19) VCF-style: chr11-13514313-T-A.
Other names: c.182+4A>T (NM_001316352.2).
Identifiers: ClinVar variation 1917357 (VCV001917357.5), dbSNP rs1183577696, ClinGen allele CA597903304.